The following is an entry in ClinVar:

NM_024740.2(ALG9):c.132G>T (p.Glu44Asp)

Gene: ALG9 (ALG9 alpha-1,2-mannosyltransferase; minus strand). Cytogenetic location: 11q23.1.
Variant type: single nucleotide variant.
Coding change: c.132G>T on transcript NM_024740.2 (MANE Select); coding-DNA position 132, G replaced by T.
Protein change: p.Glu44Asp; replaces glutamic acid 44 with aspartic acid.
Molecular consequence: missense variant. On other transcripts: 5 prime UTR variant (14), non-coding transcript variant (1), intron variant (1).
Genome position (GRCh38, 1-based): chr11:111,870,370, C>A on the plus strand (G>T on the coding strand, the complement: ALG9 is on the minus strand). VCF-style: chr11-111870370-C-A. GRCh37 (hg19) VCF-style: chr11-111741093-C-A.
Other names: c.132G>T, p.Glu44Asp (NM_001077690.1, NM_001352417.1, NM_001352418.1); c.-382G>T (NM_001077691.2, NM_001077692.2, NM_001352412.2 and 5 more transcripts); c.-386G>T (NM_001352410.1, NM_001352411.2, NM_001352413.1 and 2 more transcripts); c.-600G>T (NM_001352422.2); c.-244+982G>T (NM_001352409.1); short protein forms E44D.
Identifiers: ClinVar variation 2429663 (VCV002429663.1), dbSNP rs782467173, ClinGen allele CA382616132.
Genomic context (GRCh38, chr11:111,870,370, plus strand): 5'-ACACTTGAAAGCAGTAGATCCTTCAGGTGCCCAGACTTGTCCTGCTTTGTTCCCAGATAA[C>A]CTGTTCAAAAGCAAAAAAAAAAAAAAAAAAAAAAGCATGTCAGGAAGGACCTGCTAATCA-3'
Protein context (NP_079016.2, residues 34-54): REAGGAEHRT[Glu44Asp]LSGNKAGQVW

ClinVar aggregate classification (germline): Uncertain significance (1 of 4 stars; one submission).

Allele frequency attached by ClinVar (database versions not stated): gnomAD 0.00001.

Submission:

GeneDx
Classification: Uncertain significance. Last evaluated: 2022-08-10. Review status: criteria provided, single submitter. Criteria: GeneDx Variant Classification Process June 2021. Collection method: clinical testing. Allele origin: germline. Affected: yes.
Comment: Not observed at significant frequency in large population cohorts (gnomAD); In silico analysis supports that this missense variant has a deleterious effect on protein structure/function; Has not been previously published as pathogenic or benign to our knowledge